The following is an entry in ClinVar:

ClinVar aggregate classification (germline): Uncertain significance (1 of 4 stars; one submission).

Conditions:
Hereditary spastic paraplegia 63. Also called: Spastic paraplegia 63, autosomal recessive. Identifiers: Orphanet 401805, MedGen C3810295, MONDO:0014305, OMIM 615686.
Pontocerebellar hypoplasia type 9. Identifiers: Orphanet 369920, MedGen C4014354, MONDO:0014351, OMIM 615809.

Allele frequency attached by ClinVar (database versions not stated): ExAC 0.00001; gnomAD 0.00003; gnomAD exomes 0.00003; TOPMed 0.00005.

Submission:

Labcorp Genetics (formerly Invitae), Labcorp
Classification: Uncertain significance for Pontocerebellar hypoplasia type 9; Hereditary spastic paraplegia 63. Last evaluated: 2022-05-27. Review status: criteria provided, single submitter. Criteria: Invitae Variant Classification Sherloc (09022015). Collection method: clinical testing. Allele origin: germline.
Comment: In summary, the available evidence is currently insufficient to determine the role of this variant in disease. Therefore, it has been classified as a Variant of Uncertain Significance. Algorithms developed to predict the effect of missense changes on protein structure and function are either unavailable or do not agree on the potential impact of this missense change (SIFT: "Deleterious"; PolyPhen-2: "Possibly Damaging"; Align-GVGD: "Class C0"). This variant has not been reported in the literature in individuals affected with AMPD2-related conditions. This variant is present in population databases (rs749976113, gnomAD 0.007%). This sequence change replaces arginine, which is basic and polar, with histidine, which is basic and polar, at codon 116 of the AMPD2 protein (p.Arg116His).

NM_001368809.2(AMPD2):c.185G>A (p.Arg62His)

Gene: AMPD2 (adenosine monophosphate deaminase 2; plus strand). Cytogenetic location: 1p13.3.
Variant type: single nucleotide variant.
Coding change: c.185G>A on transcript NM_001368809.2 (MANE Select); coding-DNA position 185, G replaced by A.
Protein change: p.Arg62His; replaces arginine 62 with histidine.
Molecular consequence: missense variant. On other transcripts: 5 prime UTR variant (1), intron variant (1).
Genome position (GRCh38, 1-based): chr1:109,625,396, G>A. VCF-style: chr1-109625396-G-A. GRCh37 (hg19) VCF-style: chr1-110168018-G-A.
Other names: c.347G>A, p.Arg116His (NM_001257360.2); c.-8G>A (NM_001257361.2); c.185G>A, p.Arg62His (NM_004037.9); c.104G>A, p.Arg35His (NM_139156.4); c.160-266G>A (NM_001308170.1); short protein forms R116H, R35H, R62H.
Identifiers: ClinVar variation 2055252 (VCV002055252.3), dbSNP rs749976113, ClinGen allele CA992699.